The following is an entry in ClinVar:

ClinVar aggregate classification (germline): Conflicting classifications of pathogenicity. Review status: criteria provided, conflicting classifications (1 of 4 stars). 12 submissions from 12 submitters: Uncertain significance (9); Likely benign (1). 2 of the submissions do not count toward it. Last evaluated 2026-06-30.

Conditions:
Cardiovascular phenotype. Identifiers: MedGen CN230736.
PKP2-related disorder. Also called: PKP2-related condition.
Arrhythmogenic right ventricular cardiomyopathy (ARVD). Also called: Cardiomyopathy, ARVC; Arrhythmogenic right ventricular dysplasia; Arrhythmogenic Right Ventricular Cardiomyopathy (ARVC); Arrhythmogenic cardiomyopathy. Identifiers: Orphanet 247, MedGen C0349788, MeSH D019571, MONDO:0016587. Disease mechanism: loss of function. Inheritance: Various modes of inheritance.
Cardiomyopathy (CMYO). Also called: Cardiomyopathies. Identifiers: Orphanet 167848, MedGen C0878544, MONDO:0004994, HP:0001638. Inheritance: Various modes of inheritance.
Arrhythmogenic right ventricular dysplasia 9 (ARVD9). Also called: Arrhythmogenic Right Ventricular Dysplasia/Cardiomyopathy 9; ARRHYTHMOGENIC RIGHT VENTRICULAR DYSPLASIA, FAMILIAL, 9. Identifiers: MedGen C1836906, MONDO:0012180, OMIM 609040.

Allele frequency attached by ClinVar (database versions not stated): gnomAD exomes 0.00001 and 0.00010; gnomAD 0.00002; TOPMed 0.00002.
gnomAD v4.1: 138 of 1,613,666 alleles (0.0086%); highest among the groups gnomAD compares: Non-Finnish European, 0.012%; no homozygotes.

Submissions (12):

PreventionGenetics, part of Exact Sciences
Classification: Uncertain significance for PKP2-related condition. Last evaluated: 2026-06-30. Review status: criteria provided, single submitter. Criteria: ACMG Guidelines, 2015. Collection method: clinical testing. Allele origin: germline.
Comment: The PKP2 c.418T>A variant is predicted to result in the amino acid substitution p.Ser140Thr. This variant has been reported in a dilated cardiomyopathy cohort and a cardiomyopathy and arrhythmia cohort (Elliott et al. 2010. PubMed ID: 20716751; Supplemental Table 3, Dellefave-Castillo et al. 2022. PubMed ID: 35947370). This variant is reported in 0.0018% of alleles in individuals of European (Non-Finnish) descent in gnomAD. At this time, the clinical significance of this variant is uncertain due to the absence of conclusive functional and genetic evidence.

Labcorp Genetics (formerly Invitae), Labcorp
Classification: Uncertain significance for Arrhythmogenic right ventricular dysplasia 9. Last evaluated: 2026-01-13. Review status: criteria provided, single submitter. Criteria: Invitae Variant Classification Sherloc (09022015). Collection method: clinical testing. Allele origin: germline.
Comment: This sequence change replaces serine, which is neutral and polar, with threonine, which is neutral and polar, at codon 140 of the PKP2 protein (p.Ser140Thr). This variant is present in population databases (rs727503373, gnomAD 0.0009%). This missense change has been observed in individual(s) with dilated cardiomyopathy (PMID: 20716751). ClinVar contains an entry for this variant (Variation ID: 164969). An algorithm developed to predict the effect of missense changes on protein structure and function outputs the following: PolyPhen-2: "Benign". The threonine amino acid residue is found in multiple mammalian species, which suggests that this missense change does not adversely affect protein function. In summary, the available evidence is currently insufficient to determine the role of this variant in disease. Therefore, it has been classified as a Variant of Uncertain Significance.

Ambry Genetics
Classification: Likely benign for Cardiovascular phenotype. Last evaluated: 2025-08-11. Review status: criteria provided, single submitter. Criteria: Ambry Variant Classification Scheme 2023. Collection method: clinical testing. Allele origin: germline.

All of Us Research Program, National Institutes of Health
Classification: Uncertain significance for Arrhythmogenic right ventricular cardiomyopathy. Last evaluated: 2024-08-13. Review status: criteria provided, single submitter. Criteria: ACMG Guidelines, 2015. Collection method: clinical testing. Allele origin: germline. Inheritance: Autosomal dominant inheritance. Observed: 10 variant alleles, 10 heterozygotes.
Comment: This missense variant replaces serine with threonine at codon 140 of the PKP2 protein. Computational prediction suggests that this variant may not impact protein structure and function (internally defined REVEL score threshold <= 0.5, PMID: 27666373). To our knowledge, functional studies have not been reported for this variant. This variant has been reported in an individual affected with dilated cardiomyopathy (PMID: 20716751). This variant has been identified in 2/251368 chromosomes in the general population by the Genome Aggregation Database (gnomAD). The available evidence is insufficient to determine the role of this variant in disease conclusively. Therefore, this variant is classified as a Variant of Uncertain Significance.

This study involves interpretation of variants in research participants for the purpose of population health screening. Participant phenotype was not available at the time of variant classification. Additional details can be found in publication PMID: 35346344, PMCID: PMC8962531

Color Diagnostics, LLC DBA Color Health
Classification: Uncertain significance for Cardiomyopathy. Last evaluated: 2024-01-17. Review status: criteria provided, single submitter. Criteria: ACMG Guidelines, 2015. Collection method: clinical testing. Allele origin: germline.
Comment: This missense variant replaces serine with threonine at codon 140 of the PKP2 protein. Computational prediction suggests that this variant may not impact protein structure and function (internally defined REVEL score threshold <= 0.5, PMID: 27666373). To our knowledge, functional studies have not been reported for this variant. This variant has been reported in an individual affected with dilated cardiomyopathy (PMID: 20716751). This variant has been identified in 2/251368 chromosomes in the general population by the Genome Aggregation Database (gnomAD). The available evidence is insufficient to determine the role of this variant in disease conclusively. Therefore, this variant is classified as a Variant of Uncertain Significance.

Fulgent Genetics
Classification: Uncertain significance for Arrhythmogenic right ventricular dysplasia 9. Last evaluated: 2021-10-13. Review status: criteria provided, single submitter. Criteria: ACMG Guidelines, 2015. Collection method: clinical testing. Allele origin: unknown.

GeneDx
Classification: Uncertain significance. Last evaluated: 2021-01-21. Review status: criteria provided, single submitter. Criteria: GeneDx Variant Classification Process June 2021. Collection method: clinical testing. Allele origin: germline. Affected: yes.
Comment: Reported in a patient with DCM (Elliott et al., 2010); Not observed at a significant frequency in large population cohorts (Lek et al., 2016); In silico analysis supports that this missense variant does not alter protein structure/function; Reported in ClinVar as a variant of uncertain significance (ClinVar Variant ID# 164969; Landrum et al., 2016) This variant is associated with the following publications: (PMID: 20716751)

Women's Health and Genetics/Laboratory Corporation of America, LabCorp
Classification: Uncertain significance. Last evaluated: 2018-07-19. Review status: criteria provided, single submitter. Criteria: LabCorp Variant Classification Summary - May 2015. Collection method: clinical testing. Allele origin: germline.
Comment: Variant summary: PKP2 c.418T>A (p.Ser140Thr) results in a conservative amino acid change in the encoded protein sequence. Five of five in-silico tools predict a benign effect of the variant on protein function. The variant allele was found at a frequency of 4.1e-06 in 246572 control chromosomes (gnomAD). The available data on variant occurrences in the general population are insufficient to allow any conclusion about variant significance. The variant, c.418T>A, has been reported in the literature in at least one affected individual with Arrhythmia (Elliott_2010). This report does not provide an unequivocal conclusion about association of the variant with Arrhythmia. To our knowledge, no experimental evidence demonstrating an impact on protein function has been reported. No clinical diagnostic laboratories have submitted clinical-significance assessments for this variant to ClinVar after 2014. Based on the evidence outlined above, the variant was classified as uncertain significance.

ARUP Laboratories, Molecular Genetics and Genomics, ARUP Laboratories
Classification: Uncertain significance. Last evaluated: 2018-02-21. Review status: criteria provided, single submitter. Criteria: ARUP Molecular Germline Variant Investigation Process. Collection method: clinical testing. Allele origin: germline.
Comment: The PKP2 c.418T>A; p.Ser140Thr variant (rs727503373) has been reported in a single individual with dilated cardiomyopathy (Elliott 2010). The p.Ser140Thr variant is listed in the genome Aggregation Database (gnomAD) with an overall population frequency of 0.0004% (identified on 1 out of 246,172 chromosomes) and is classified as a variant of unknown significance in ClinVar (ID: 164969). The serine at position 140 is moderately conserved, considering 8 species, and computational analyses of the effects of the p.Ser140Thr variant on protein structure and function do not predict a deleterious effect (SIFT: tolerated, PolyPhen-2: benign). Another variant affecting the same codon, p.Ser140Phe, has also been reported in patients with arrhythmogenic right ventricular cardiomyopathy (Gerull 2004), and is enriched in ARVC patients compared to healthy controls (Christensen 2010); however, its prevalence in population genetic databases (0.4% in non-Finnish Europeans in gnomAD) and in healthy controls (Olfson 2015) suggests that it is at most disease modifying rather than pathogenic (Elliott 2010). Based on the available information, the clinical significance of the p.Ser140Thr variant cannot be determined with certainty.

Laboratory for Molecular Medicine, Mass General Brigham Personalized Medicine
Classification: Uncertain significance. Last evaluated: 2013-09-27. Review status: criteria provided, single submitter. Criteria: LMM Criteria. Collection method: clinical testing. Allele origin: germline. Observed: 1 variant allele.
Comment: Variant classified as Uncertain Significance - Favor Benign. The Ser140Thr varia nt in PKP2 has been reported in the literature in one patient with DCM and was a bsent from controls (400 chromosomes, Elliott 2010). This variant has not been i dentified in large population studies (NHLBI Exome Sequencing Project). Computat ional analyses (biochemical amino acid properties, conservation, AlignGVGD, Poly Phen2, and SIFT) predict this variant may be tolerated. The wild-type residue at this position is not well conserved and the variant residue has been observed i n at least one distant species (Chicken), suggesting the mutation may be tolerat ed. Of note, another variant at the same position (Ser140Phe) has been reported in both individuals with ARVC as well as healthy controls and is thus unlikely to be a primary cause of disease, but a modifying role cannot be ruled out. In s ummary, more data are needed to determine the clinical significance of this vari ant.

Clinical Genetics DNA and cytogenetics Diagnostics Lab, Erasmus MC, Erasmus Medical Center
Classification: Uncertain significance. Review status: no assertion criteria provided. Collection method: clinical testing. Allele origin: germline. Affected: yes. Study: VKGL Data-share Consensus. Not counted in ClinVar's aggregate classification.

Diagnostic Laboratory, Department of Genetics, University Medical Center Groningen
Classification: Uncertain significance. Review status: no assertion criteria provided. Collection method: clinical testing. Allele origin: germline. Affected: yes. Study: VKGL Data-share Consensus. Not counted in ClinVar's aggregate classification.

Literature cited by the submitters: PubMed 20716751 (cited by 5 submitters); PubMed 31983221 (cited by Ambry Genetics); PubMed 35947370 (cited by Ambry Genetics).

NM_001005242.3(PKP2):c.418T>A (p.Ser140Thr)

Gene: PKP2 (plakophilin 2; minus strand). Cytogenetic location: 12p11.21.
Variant type: single nucleotide variant.
Coding change: c.418T>A on transcript NM_001005242.3 (MANE Select); coding-DNA position 418, T replaced by A.
Protein change: p.Ser140Thr; replaces serine 140 with threonine.
Molecular consequence: missense variant.
Genome position (GRCh38, 1-based): chr12:32,878,462, A>T on the plus strand (T>A on the coding strand, the complement: PKP2 is on the minus strand). VCF-style: chr12-32878462-A-T. GRCh37 (hg19) VCF-style: chr12-33031396-A-T.
Other names: c.418T>A, p.Ser140Thr (NM_004572.4); short protein forms S140T.
Identifiers: ClinVar variation 164969 (VCV000164969.36), dbSNP rs727503373, ClinGen allele CA012309.